The following is an entry in ClinVar:

ClinVar aggregate classification (germline): Pathogenic/Likely pathogenic. Review status: criteria provided, multiple submitters, no conflicts (2 of 4 stars). 3 submissions from 3 submitters: Pathogenic (1); Likely pathogenic (2). Last evaluated 2024-10-22.

Conditions:
Pulmonary hypertension, neonatal, susceptibility to (PHN). Identifiers: MedGen C3714958, MONDO:0014151, OMIM 615371.
Congenital hyperammonemia, type I. Also called: Carbamoyl-phosphate synthase I deficiency; CPS I DEFICIENCY; Carbamoyl phosphate synthetase 1 deficiency; Hyperammonemia due to carbamoyl phosphate synthetase 1 deficiency; CPS 1 deficiency; Carbamyl phosphate synthetase (CPS) deficiency. Identifiers: Orphanet 147, MedGen C4082171, MONDO:0009376, OMIM 237300.

Allele frequency attached by ClinVar (database versions not stated): gnomAD exomes below 0.00001; gnomAD 0.00001; TOPMed 0.00001.
gnomAD v4.1: 7 of 1,613,432 alleles (0.00043%); highest among the groups gnomAD compares: Middle Eastern, 0.016%; no homozygotes.

Submissions (3):

Labcorp Genetics (formerly Invitae), Labcorp
Classification: Pathogenic for Congenital hyperammonemia, type I. Last evaluated: 2024-10-22. Review status: criteria provided, single submitter. Criteria: Invitae Variant Classification Sherloc (09022015). Collection method: clinical testing. Allele origin: germline.
Comment: This sequence change replaces arginine, which is basic and polar, with tryptophan, which is neutral and slightly polar, at codon 1453 of the CPS1 protein (p.Arg1453Trp). This variant is not present in population databases (gnomAD no frequency). This missense change has been observed in individual(s) with carbamoyl phosphate synthetase I deficiency (PMID: 20578160, 21120950, 22173106). ClinVar contains an entry for this variant (Variation ID: 967151). Invitae Evidence Modeling of protein sequence and biophysical properties (such as structural, functional, and spatial information, amino acid conservation, physicochemical variation, residue mobility, and thermodynamic stability) indicates that this missense variant is expected to disrupt CPS1 protein function with a positive predictive value of 80%. Experimental studies have shown that this missense change affects CPS1 function (PMID: 20578160). For these reasons, this variant has been classified as Pathogenic.

Natera, Inc.
Classification: Likely pathogenic for Carbamoyl-phosphate synthase I deficiency. Last evaluated: 2024-07-26. Review status: criteria provided, single submitter. Criteria: Natera Variant Classification Schema (03/2026). Collection method: clinical testing. Allele origin: germline.
Comment: The c.4357C>T variant in CPS1 is a missense variant predicted to cause substitution of arginine to tryptophan at amino acid 1453. This variant is rare in the general population with a frequency below the threshold expected for the associated phenotype(s). This variant has been observed in one or more individuals affected with the associated recessive disease, as either homozygous or compound heterozygous with a second variant (PMID: 22173106). A different variant at the same position has been determined to be Pathogenic or Likely Pathogenic. Computational prediction algorithms indicate this variant is likely to affect gene or protein function. Given the available evidence, this variant is classified as Likely Pathogenic.

Baylor Genetics
Classification: Likely pathogenic for Pulmonary hypertension, neonatal, susceptibility to. Last evaluated: 2023-09-26. Review status: criteria provided, single submitter. Criteria: ACMG Guidelines, 2015. Collection method: clinical testing. Allele origin: unknown.

Literature cited by the submitters: PubMed 20578160 (cited by Labcorp Genetics (formerly Invitae), Labcorp); PubMed 21120950 (cited by Labcorp Genetics (formerly Invitae), Labcorp); PubMed 22173106 (cited by Labcorp Genetics (formerly Invitae), Labcorp and Natera, Inc.).

NM_001875.5(CPS1):c.4357C>T (p.Arg1453Trp)

Gene: CPS1 (carbamoyl-phosphate synthase 1; plus strand). Cytogenetic location: 2q34.
Variant type: single nucleotide variant.
Coding change: c.4357C>T on transcript NM_001875.5 (MANE Select); coding-DNA position 4357, C replaced by T.
Protein change: p.Arg1453Trp; replaces arginine 1453 with tryptophan.
Molecular consequence: missense variant. On other transcripts: non-coding transcript variant (2).
Genome position (GRCh38, 1-based): chr2:210,677,089, C>T. VCF-style: chr2-210677089-C-T. GRCh37 (hg19) VCF-style: chr2-211541813-C-T.
Other names: c.4357C>T, p.Arg1453Trp (NM_001122633.3, NM_001369257.1); c.4390C>T, p.Arg1464Trp (NM_001369256.1); short protein forms R1453W, R1464W.
Identifiers: ClinVar variation 967151 (VCV000967151.10), dbSNP rs933813349, ClinGen allele CA64748170.